The following is an entry in ClinVar:

ClinVar aggregate classification (germline): Uncertain significance (1 of 4 stars; one submission).

Conditions:
Congenital myotonia, autosomal dominant form (THD). Also called: THOMSEN DISEASE; Myotonia congenita autosomal dominant. Identifiers: Orphanet 614, MedGen C2936781, MONDO:0008055, OMIM 160800.
Congenital myotonia, autosomal recessive form. Also called: BECKER DISEASE; Becker Generalized Myotonia; myotonia congenita, autosomal recessive. Identifiers: Orphanet 614, MedGen C0751360, MONDO:0009715, OMIM 255700.

Allele frequency attached by ClinVar (database versions not stated): gnomAD exomes 0.00001; gnomAD 0.00003 and 0.00004; TOPMed 0.00004.
gnomAD v4.1: 20 of 1,614,066 alleles (0.0012%); highest among the groups gnomAD compares: Non-Finnish European, 0.0016%; no homozygotes.

Submission:

Labcorp Genetics (formerly Invitae), Labcorp
Classification: Uncertain significance for Congenital myotonia, autosomal recessive form; Congenital myotonia, autosomal dominant form. Last evaluated: 2025-07-21. Review status: criteria provided, single submitter. Criteria: Invitae Variant Classification Sherloc (09022015). Collection method: clinical testing. Allele origin: germline.
Comment: This sequence change replaces isoleucine, which is neutral and non-polar, with phenylalanine, which is neutral and non-polar, at codon 603 of the CLCN1 protein (p.Ile603Phe). This variant is present in population databases (no rsID available, gnomAD 0.003%). This variant has not been reported in the literature in individuals affected with CLCN1-related conditions. ClinVar contains an entry for this variant (Variation ID: 653271). Invitae Evidence Modeling of protein sequence and biophysical properties (such as structural, functional, and spatial information, amino acid conservation, physicochemical variation, residue mobility, and thermodynamic stability) has been performed for this missense variant. However, the output from this modeling did not meet the statistical confidence thresholds required to predict the impact of this variant on CLCN1 protein function. In summary, the available evidence is currently insufficient to determine the role of this variant in disease. Therefore, it has been classified as a Variant of Uncertain Significance.

NM_000083.3(CLCN1):c.1807A>T (p.Ile603Phe)

Gene: CLCN1 (chloride voltage-gated channel 1; plus strand). Cytogenetic location: 7q34.
Variant type: single nucleotide variant.
Coding change: c.1807A>T on transcript NM_000083.3 (MANE Select); coding-DNA position 1807, A replaced by T.
Protein change: p.Ile603Phe; replaces isoleucine 603 with phenylalanine.
Molecular consequence: missense variant. On other transcripts: non-coding transcript variant (1).
Genome position (GRCh38, 1-based): chr7:143,342,382, A>T. VCF-style: chr7-143342382-A-T. GRCh37 (hg19) VCF-style: chr7-143039475-A-T.
Other names: short protein forms I603F.
Identifiers: ClinVar variation 653271 (VCV000653271.8), dbSNP rs908274887, ClinGen allele CA168224703.
Genomic context (GRCh38, chr7:143,342,382, plus strand): 5'-AGGGATAGGTATACGGTGGGGCTAACCCACCATGCTTTCTCCCTCCATAGCAAATATACC[A>T]TCTTTGTTGAGGACATCATGGTACGTGATGTGAAGTTTGTTTCAGCTTCTTACACATATG-3'
Protein context (NP_000074.3, residues 593-613): LGWNQLSKYT[Ile603Phe]FVEDIMVRDV